The following is an entry in ClinVar:

ClinVar aggregate classification (germline): Uncertain significance (1 of 4 stars; one submission).

Submission:

CeGaT Center for Human Genetics Tuebingen
Classification: Uncertain significance. Last evaluated: 2025-05-01. Review status: criteria provided, single submitter. Criteria: CeGaT Center For Human Genetics Tuebingen Variant Classification Criteria Version 2. Collection method: clinical testing. Allele origin: germline. Affected: yes. Observed: 1 variant allele.
Comment: AMER1: PM2, BP4

NM_152424.4(AMER1):c.224G>C (p.Gly75Ala)

Gene: AMER1 (APC membrane recruitment protein 1; minus strand). Cytogenetic location: Xq11.2.
Variant type: single nucleotide variant.
Coding change: c.224G>C on transcript NM_152424.4 (MANE Select); coding-DNA position 224, G replaced by C.
Protein change: p.Gly75Ala; replaces glycine 75 with alanine.
Molecular consequence: missense variant.
Genome position (GRCh38, 1-based): chrX:64,193,063, C>G on the plus strand (G>C on the coding strand, the complement: AMER1 is on the minus strand). VCF-style: chrX-64193063-C-G. GRCh37 (hg19) VCF-style: chrX-63412943-C-G.
Other names: short protein forms G75A.
Identifiers: ClinVar variation 3905848 (VCV003905848.10).